The following is an entry in ClinVar:

ClinVar aggregate classification (germline): Uncertain significance. Review status: criteria provided, multiple submitters, no conflicts (2 of 4 stars). 2 submissions from 2 submitters: Uncertain significance (2). Last evaluated 2025-08-12.

Conditions:
Early Myoclonic Encephalopathy. Identifiers: MedGen C0270855.

Allele frequency attached by ClinVar (database versions not stated): ExAC 0.00001; TOPMed 0.00007; gnomAD exomes 0.00001; ESP Exome Variant Server 0.00009; gnomAD 0.00004.
gnomAD v4.1: 16 of 1,583,832 alleles (0.001%); highest among the groups gnomAD compares: Middle Eastern, 0.017%; no homozygotes.

Submissions (2):

Ambry Genetics
Classification: Uncertain significance. Last evaluated: 2025-08-12. Review status: criteria provided, single submitter. Criteria: Ambry Variant Classification Scheme 2023. Collection method: clinical testing. Allele origin: germline.

Labcorp Genetics (formerly Invitae), Labcorp
Classification: Uncertain significance for Early Myoclonic Encephalopathy. Last evaluated: 2024-05-22. Review status: criteria provided, single submitter. Criteria: Invitae Variant Classification Sherloc (09022015). Collection method: clinical testing. Allele origin: germline.
Comment: This sequence change replaces valine, which is neutral and non-polar, with isoleucine, which is neutral and non-polar, at codon 2512 of the JMJD1C protein (p.Val2512Ile). This variant is present in population databases (rs370544199, gnomAD 0.02%). This variant has not been reported in the literature in individuals affected with JMJD1C-related conditions. ClinVar contains an entry for this variant (Variation ID: 2199827). An algorithm developed to predict the effect of missense changes on protein structure and function (PolyPhen-2) suggests that this variant is likely to be tolerated. Algorithms developed to predict the effect of sequence changes on RNA splicing suggest that this variant may disrupt the consensus splice site. In summary, the available evidence is currently insufficient to determine the role of this variant in disease. Therefore, it has been classified as a Variant of Uncertain Significance.

NM_032776.3(JMJD1C):c.7534G>A (p.Val2512Ile)

Gene: JMJD1C (jumonji domain containing 1C; minus strand). Cytogenetic location: 10q21.3.
Variant type: single nucleotide variant.
Coding change: c.7534G>A on transcript NM_032776.3 (MANE Select); coding-DNA position 7534, G replaced by A.
Protein change: p.Val2512Ile; replaces valine 2512 with isoleucine.
Molecular consequence: missense variant.
Genome position (GRCh38, 1-based): chr10:63,168,134, C>T on the plus strand (G>A on the coding strand, the complement: JMJD1C is on the minus strand). VCF-style: chr10-63168134-C-T. GRCh37 (hg19) VCF-style: chr10-64927894-C-T.
Other names: c.6988G>A, p.Val2330Ile (NM_001282948.2, NM_001318154.2); c.6670G>A, p.Val2224Ile (NM_001318153.2); c.7420G>A, p.Val2474Ile (NM_001322252.2); c.6877G>A, p.Val2293Ile (NM_001322254.2, NM_001322258.2); c.7534G>A (NM_032776.1); short protein forms V2330I, V2224I, V2293I, V2474I, V2512I.
Identifiers: ClinVar variation 2199827 (VCV002199827.5), dbSNP rs370544199, ClinGen allele CA5517619.